The following is an entry in ClinVar:

NM_139057.4(ADAMTS17):c.2671C>T (p.Gln891Ter)

Gene: ADAMTS17 (ADAM metallopeptidase with thrombospondin type 1 motif 17; minus strand). Cytogenetic location: 15q26.3.
Variant type: single nucleotide variant.
Coding change: c.2671C>T on transcript NM_139057.4 (MANE Select); coding-DNA position 2671, C replaced by T.
Protein change: p.Gln891Ter; replaces glutamine 891 with a stop codon.
Molecular consequence: nonsense.
Genome position (GRCh38, 1-based): chr15:99,997,510, G>A on the plus strand (C>T on the coding strand, the complement: ADAMTS17 is on the minus strand). VCF-style: chr15-99997510-G-A. GRCh37 (hg19) VCF-style: chr15-100537715-G-A.
Other names: short protein forms Q891*.
Identifiers: ClinVar variation 1457096 (VCV001457096.6), dbSNP rs2141346807, ClinGen allele CA393694245.

ClinVar aggregate classification (germline): Pathogenic (1 of 4 stars; one submission).

Submission:

Labcorp Genetics (formerly Invitae), Labcorp
Classification: Pathogenic. Last evaluated: 2021-06-20. Review status: criteria provided, single submitter. Criteria: Invitae Variant Classification Sherloc (09022015). Collection method: clinical testing. Allele origin: germline.
Comment: This sequence change creates a premature translational stop signal (p.Gln891*) in the ADAMTS17 gene. It is expected to result in an absent or disrupted protein product. Loss-of-function variants in ADAMTS17 are known to be pathogenic (PMID: 19836009, 24940034). This variant is not present in population databases (ExAC no frequency). This variant has not been reported in the literature in individuals with ADAMTS17-related conditions. For these reasons, this variant has been classified as Pathogenic.

Literature cited by the submitters: PubMed 19836009; PubMed 24940034.